The following is an entry in ClinVar:

ClinVar aggregate classification (germline): Likely pathogenic (1 of 4 stars; one submission).

Conditions:
Cataract 13 with adult I phenotype. Identifiers: Orphanet 91492, MedGen C3805373, MONDO:0007289, OMIM 116700.

Submission:

First Genomix Gene Laboratory, Genetic Diagnostics Department
Classification: Likely pathogenic for Cataract 13 with adult I phenotype. Last evaluated: 2025-07-09. Review status: criteria provided, single submitter. Criteria: ACMG Guidelines, 2015. Collection method: clinical testing. Allele origin: germline. Inheritance: Autosomal recessive inheritance. Affected: no. Observed: 1 variant allele.

NM_145649.5(GCNT2):c.651dup (p.Gly218fs)

Gene: GCNT2 (glucosaminyl (N-acetyl) transferase 2 (I blood group); plus strand). Cytogenetic location: 6p24.3.
Variant type: Duplication.
Coding change: c.651dup on transcript NM_145649.5 (MANE Select); coding-DNA position 651, one base duplicated (C; older notation c.651dupC).
Protein change: p.Gly218fs; shifts the reading frame from glycine 218.
Molecular consequence: frameshift variant.
Genome position (GRCh38, 1-based): chr6:10,529,562, C duplicated; the last of 5 consecutive C bases (chr6:10,529,558-10,529,562); duplicating any one gives the same sequence. VCF-style (leftmost placement, unchanged base first): chr6-10529557-A-AC. GRCh37 (hg19) VCF-style: chr6-10529790-A-AC.
Other names: c.651dupC (NM_145649.5); c.651dup, p.Gly218fs (NM_001374747.1); short protein forms G218fs.
Identifiers: ClinVar variation 4849340 (VCV004849340.1).